The following is an entry in ClinVar:

ClinVar aggregate classification (germline): Uncertain significance. Review status: criteria provided, multiple submitters, no conflicts (2 of 4 stars). 4 submissions from 4 submitters: Uncertain significance (4). Last evaluated 2024-01-29.

Conditions:
Developmental and epileptic encephalopathy, 42 (DEE42A). Also called: DEVELOPMENTAL AND EPILEPTIC ENCEPHALOPATHY 42A; EPILEPTIC ENCEPHALOPATHY, EARLY INFANTILE, 42A; Epileptic encephalopathy, early infantile, 42. Identifiers: MedGen C4310716, MONDO:0014917, OMIM 617106.
Episodic ataxia type 2 (EA2). Also called: EPISODIC ATAXIA, NYSTAGMUS-ASSOCIATED; ACETAZOLAMIDE-RESPONSIVE HEREDITARY PAROXYSMAL CEREBELLAR ATAXIA; ATAXIA, EPISODIC, WITH NYSTAGMUS; ATAXIA, FAMILIAL PAROXYSMAL; CEREBELLAR ATAXIA, PAROXYSMAL, ACETAZOLAMIDE-RESPONSIVE; CEREBELLOPATHY, HEREDITARY PAROXYSMAL. Identifiers: Orphanet 97, MedGen C1720416, MONDO:0007163, OMIM 108500.
Inborn genetic diseases. Identifiers: MedGen C0950123, MeSH D030342.

Submissions (4):

Ambry Genetics
Classification: Uncertain significance for Inborn genetic diseases. Last evaluated: 2024-01-29. Review status: criteria provided, single submitter. Criteria: Ambry Variant Classification Scheme 2023. Collection method: clinical testing. Allele origin: germline.

Labcorp Genetics (formerly Invitae), Labcorp
Classification: Uncertain significance for Developmental and epileptic encephalopathy, 42; Episodic ataxia type 2. Last evaluated: 2023-10-13. Review status: criteria provided, single submitter. Criteria: Invitae Variant Classification Sherloc (09022015). Collection method: clinical testing. Allele origin: germline.
Comment: This sequence change replaces histidine, which is basic and polar, with tyrosine, which is neutral and polar, at codon 1547 of the CACNA1A protein (p.His1547Tyr). This variant is not present in population databases (gnomAD no frequency). This variant has not been reported in the literature in individuals affected with CACNA1A-related conditions. ClinVar contains an entry for this variant (Variation ID: 1060241). Advanced modeling of protein sequence and biophysical properties (such as structural, functional, and spatial information, amino acid conservation, physicochemical variation, residue mobility, and thermodynamic stability) performed at Invitae indicates that this missense variant is not expected to disrupt CACNA1A protein function. In summary, the available evidence is currently insufficient to determine the role of this variant in disease. Therefore, it has been classified as a Variant of Uncertain Significance.

University of Washington Department of Laboratory Medicine, University of Washington
Classification: Uncertain significance for Developmental and epileptic encephalopathy, 42. Last evaluated: 2023-10-04. Review status: criteria provided, single submitter. Criteria: ACMG Guidelines, 2015. Collection method: clinical testing. Allele origin: maternal. Affected: yes.
Comment: The p.His1547Tyr variant in the CACNA1A gene has not been previously reported in association with disease and was absent from large population databases, including the Genome Aggregation Database. This variant has been submitted to ClinVar (Variation ID: 1060241). The CACNA1A gene has fewer missense variants in the general population than expected. A low rate of missense variation may suggest that this gene is intolerant to missense variation. In silico tools do not consistently predict if the p.His1547Tyr variant impacts protein function; however, these predictions have not been tested directly. Using ACMG guidelines, this variant was classified as a variant of uncertain significance (ACMG evidence codes used: PM2_supporting, PP2).

Revvity Omics, Revvity
Classification: Uncertain significance. Last evaluated: 2022-04-11. Review status: criteria provided, single submitter. Criteria: ACMG Guidelines, 2015. Collection method: clinical testing. Allele origin: germline.

NM_001127222.2(CACNA1A):c.4636C>T (p.His1546Tyr)

Gene: CACNA1A (calcium voltage-gated channel subunit alpha1 A; minus strand). Cytogenetic location: 19p13.13.
Variant type: single nucleotide variant.
Coding change: c.4636C>T on transcript NM_001127222.2 (MANE Select); coding-DNA position 4636, C replaced by T.
Protein change: p.His1546Tyr; replaces histidine 1546 with tyrosine.
Molecular consequence: missense variant.
Genome position (GRCh38, 1-based): chr19:13,255,214, G>A on the plus strand (C>T on the coding strand, the complement: CACNA1A is on the minus strand). VCF-style: chr19-13255214-G-A. GRCh37 (hg19) VCF-style: chr19-13366028-G-A.
Other names: c.4648C>T, p.His1550Tyr (NM_000068.4, NM_023035.3); c.4639C>T, p.His1547Tyr (NM_001127221.2, NM_001174080.2); c.4639C>T (NM_001127221.1); short protein forms H1546Y, H1547Y, H1550Y.
Identifiers: ClinVar variation 1060241 (VCV001060241.12), dbSNP rs2144735184, ClinGen allele CA404338594.